The following is an entry in ClinVar:

NM_032758.4(PHF5A):c.58G>T (p.Gly20Ter)

Gene: PHF5A (PHD finger protein 5A; minus strand). Cytogenetic location: 22q13.2.
Variant type: single nucleotide variant.
Coding change: c.58G>T on transcript NM_032758.4 (MANE Select); coding-DNA position 58, G replaced by T.
Protein change: p.Gly20Ter; replaces glycine 20 with a stop codon.
Molecular consequence: nonsense.
Genome position (GRCh38, 1-based): chr22:41,468,142, C>A on the plus strand (G>T on the coding strand, the complement: PHF5A is on the minus strand). VCF-style: chr22-41468142-C-A. GRCh37 (hg19) VCF-style: chr22-41864146-C-A.
Other names: short protein forms G20*.
Identifiers: ClinVar variation 3252886 (VCV003252886.1), dbSNP rs2518188032.

ClinVar aggregate classification (germline): Uncertain significance (1 of 4 stars; one submission).

Submission:

GeneDx
Classification: Uncertain significance. Last evaluated: 2023-02-14. Review status: criteria provided, single submitter. Criteria: GeneDx Variant Classification Process June 2021. Collection method: clinical testing. Allele origin: germline. Affected: yes.
Comment: Not observed at significant frequency in large population cohorts (gnomAD); Nonsense variant predicted to result in protein truncation or nonsense mediated decay in a gene or region of a gene for which loss of function is not a well-established mechanism of disease; Has not been previously published as pathogenic or benign to our knowledge; Variants in candidate genes are classified as variants of uncertain significance in accordance with ACMG guidelines (Richards et al., 2015)